The following is an entry in ClinVar:

ClinVar aggregate classification (germline): Likely benign (1 of 4 stars; one submission).

gnomAD v4.1: 4 of 1,561,444 alleles (0.00026%); highest among the groups gnomAD compares: Admixed American, 0.0056%; no homozygotes.

Submission:

CeGaT Center for Human Genetics Tuebingen
Classification: Likely benign. Last evaluated: 2026-02-01. Review status: criteria provided, single submitter. Criteria: CeGaT Center For Human Genetics Tuebingen Variant Classification Criteria Version 2. Collection method: clinical testing. Allele origin: germline. Affected: yes. Observed: 1 variant allele.
Comment: PRKD1: BP4, BP7

NM_002742.3(PRKD1):c.192G>A (p.Leu64=)

Gene: PRKD1 (protein kinase D1; minus strand). Cytogenetic location: 14q12.
Variant type: single nucleotide variant.
Coding change: c.192G>A on transcript NM_002742.3 (MANE Select); coding-DNA position 192, G replaced by A.
Protein change: p.Leu64=; no amino-acid change (leucine 64 retained).
Molecular consequence: synonymous variant.
Genome position (GRCh38, 1-based): chr14:29,927,321, C>T on the plus strand (G>A on the coding strand, the complement: PRKD1 is on the minus strand). VCF-style: chr14-29927321-C-T. GRCh37 (hg19) VCF-style: chr14-30396527-C-T.
Other names: c.192G>A, p.Leu64= (NM_001330069.2).
Identifiers: ClinVar variation 4821524 (VCV004821524.4).